The following is an entry in ClinVar:

NM_000053.4(ATP7B):c.3623C>T (p.Thr1208Met)

Gene: ATP7B (ATPase copper transporting beta; minus strand). Cytogenetic location: 13q14.3.
Variant type: single nucleotide variant.
Coding change: c.3623C>T on transcript NM_000053.4 (MANE Select); coding-DNA position 3623, C replaced by T.
Protein change: p.Thr1208Met; replaces threonine 1208 with methionine.
Molecular consequence: missense variant.
Genome position (GRCh38, 1-based): chr13:51,939,127, G>A on the plus strand (C>T on the coding strand, the complement: ATP7B is on the minus strand). VCF-style: chr13-51939127-G-A. GRCh37 (hg19) VCF-style: chr13-52513263-G-A.
Other names: c.3002C>T, p.Thr1001Met (NM_001005918.3); c.3290C>T, p.Thr1097Met (NM_001243182.2); c.3389C>T, p.Thr1130Met (NM_001330578.2); c.3371C>T, p.Thr1124Met (NM_001330579.2); short protein forms T1208M, T1001M, T1097M, T1130M, T1124M.
Identifiers: ClinVar variation 382098 (VCV000382098.11), dbSNP rs370713752, ClinGen allele CA6988621.

ClinVar aggregate classification (germline): Uncertain significance. Review status: criteria provided, multiple submitters, no conflicts (2 of 4 stars). 6 submissions from 6 submitters: Uncertain significance (5). 1 of the submissions does not count toward it. Last evaluated 2025-12-14.

Conditions:
Wilson disease (WND). Also called: Wilson's disease. Identifiers: Orphanet 905, MedGen C0019202, MONDO:0010200, OMIM 277900. Disease mechanism: loss of function.

Allele frequency attached by ClinVar (database versions not stated): gnomAD exomes 0.00001 and 0.00003; ExAC 0.00002; TOPMed 0.00003; gnomAD 0.00004; ESP Exome Variant Server 0.00008.
gnomAD v4.1: 47 of 1,614,200 alleles (0.0029%); highest among the groups gnomAD compares: Middle Eastern, 0.016%; no homozygotes.

Submissions (6):

GeneDx
Classification: Uncertain significance. Last evaluated: 2025-12-14. Review status: criteria provided, single submitter. Criteria: GeneDx Variant Classification Process June 2021. Collection method: clinical testing. Allele origin: germline. Affected: yes.
Comment: Not observed at significant frequency in large population cohorts (gnomAD); In silico analysis supports that this missense variant has a deleterious effect on protein structure/function; Has not been previously published as pathogenic or benign to our knowledge

Color Diagnostics, LLC DBA Color Health
Classification: Uncertain significance for Wilson disease. Last evaluated: 2025-08-19. Review status: criteria provided, single submitter. Criteria: ACMG Guidelines, 2015. Collection method: clinical testing. Allele origin: germline.
Comment: This missense variant replaces threonine with methionine at codon 1208 of the ATP7B protein. Computational prediction suggests that this variant may have deleterious impact on protein structure and function. To our knowledge, functional studies have not been reported for this variant. This variant has not been reported in individuals affected with ATP7B-related disorders in the literature. This variant has been identified in 2/249584 chromosomes in the general population by the Genome Aggregation Database (gnomAD). The available evidence is insufficient to determine the role of this variant in disease conclusively. Therefore, this variant is classified as a Variant of Uncertain Significance.

All of Us Research Program, National Institutes of Health
Classification: Uncertain significance for Wilson disease. Last evaluated: 2023-12-13. Review status: criteria provided, single submitter. Criteria: ACMG Guidelines, 2015. Collection method: clinical testing. Allele origin: germline. Inheritance: Autosomal recessive inheritance. Observed: 9 variant alleles, 9 heterozygotes.
Comment: This missense variant replaces threonine with methionine at codon 1208 of the ATP7B protein. Computational prediction suggests that this variant may have deleterious impact on protein structure and function (internally defined REVEL score threshold >= 0.7, PMID: 27666373). To our knowledge, functional studies have not been reported for this variant. This variant has not been reported in individuals affected with ATP7B-related disorders in the literature. This variant has been identified in 2/249584 chromosomes in the general population by the Genome Aggregation Database (gnomAD). The available evidence is insufficient to determine the role of this variant in disease conclusively. Therefore, this variant is classified as a Variant of Uncertain Significance.

This study involves interpretation of variants in research participants for the purpose of population health screening. Participant phenotype was not available at the time of variant classification. Additional details can be found in publication PMID: 35346344, PMCID: PMC8962531

Labcorp Genetics (formerly Invitae), Labcorp
Classification: Uncertain significance for Wilson disease. Last evaluated: 2022-07-21. Review status: criteria provided, single submitter. Criteria: Invitae Variant Classification Sherloc (09022015). Collection method: clinical testing. Allele origin: germline.
Comment: This sequence change replaces threonine, which is neutral and polar, with methionine, which is neutral and non-polar, at codon 1208 of the ATP7B protein (p.Thr1208Met). This variant is present in population databases (rs370713752, gnomAD 0.003%). This variant has not been reported in the literature in individuals affected with ATP7B-related conditions. ClinVar contains an entry for this variant (Variation ID: 382098). Algorithms developed to predict the effect of missense changes on protein structure and function are either unavailable or do not agree on the potential impact of this missense change (SIFT: "Deleterious"; PolyPhen-2: "Probably Damaging"; Align-GVGD: "Class C0"). In summary, the available evidence is currently insufficient to determine the role of this variant in disease. Therefore, it has been classified as a Variant of Uncertain Significance.

Women's Health and Genetics/Laboratory Corporation of America, LabCorp
Classification: Uncertain significance. Last evaluated: 2022-05-22. Review status: criteria provided, single submitter. Criteria: LabCorp Variant Classification Summary - May 2015. Collection method: clinical testing. Allele origin: germline.

Natera, Inc.
Classification: Uncertain significance for Wilson disease. Last evaluated: 2019-10-28. Review status: no assertion criteria provided. Collection method: clinical testing. Allele origin: germline. Not counted in ClinVar's aggregate classification.